The following is an entry in ClinVar:

ClinVar aggregate classification (germline): Uncertain significance (1 of 4 stars; one submission).

Allele frequency attached by ClinVar (database versions not stated): gnomAD exomes below 0.00001.
gnomAD v4.1: 1 of 1,614,124 alleles (0.000062%); highest among the groups gnomAD compares: Non-Finnish European, 0.000085%; no homozygotes.

Submission:

Labcorp Genetics (formerly Invitae), Labcorp
Classification: Uncertain significance. Last evaluated: 2022-09-07. Review status: criteria provided, single submitter. Criteria: Invitae Variant Classification Sherloc (09022015). Collection method: clinical testing. Allele origin: germline.
Comment: In summary, the available evidence is currently insufficient to determine the role of this variant in disease. Therefore, it has been classified as a Variant of Uncertain Significance. Algorithms developed to predict the effect of missense changes on protein structure and function (SIFT, PolyPhen-2, Align-GVGD) all suggest that this variant is likely to be tolerated. ClinVar contains an entry for this variant (Variation ID: 1484617). This variant has not been reported in the literature in individuals affected with BACH2-related conditions. This variant is not present in population databases (gnomAD no frequency). This sequence change replaces proline, which is neutral and non-polar, with leucine, which is neutral and non-polar, at codon 280 of the BACH2 protein (p.Pro280Leu).

NM_021813.4(BACH2):c.839C>T (p.Pro280Leu)

Gene: BACH2 (BACH transcriptional regulator 2; minus strand). Cytogenetic location: 6q15.
Variant type: single nucleotide variant.
Coding change: c.839C>T on transcript NM_021813.4 (MANE Select); coding-DNA position 839, C replaced by T.
Protein change: p.Pro280Leu; replaces proline 280 with leucine.
Molecular consequence: missense variant.
Genome position (GRCh38, 1-based): chr6:89,951,267, G>A on the plus strand (C>T on the coding strand, the complement: BACH2 is on the minus strand). VCF-style: chr6-89951267-G-A. GRCh37 (hg19) VCF-style: chr6-90660986-G-A.
Other names: c.839C>T, p.Pro280Leu (NM_001170794.2); short protein forms P280L.
Identifiers: ClinVar variation 1484617 (VCV001484617.6), dbSNP rs2128356970, ClinGen allele CA365072117.